The following is an entry in ClinVar:

NM_004168.4(SDHA):c.1609G>A (p.Gly537Arg)

Gene: SDHA (succinate dehydrogenase complex flavoprotein subunit A; plus strand). Cytogenetic location: 5p15.33.
Variant type: single nucleotide variant.
Coding change: c.1609G>A on transcript NM_004168.4 (MANE Select); coding-DNA position 1609, G replaced by A.
Protein change: p.Gly537Arg; replaces glycine 537 with arginine.
Molecular consequence: missense variant. On other transcripts: intron variant (1).
Genome position (GRCh38, 1-based): chr5:251,049, G>A. VCF-style: chr5-251049-G-A. GRCh37 (hg19) VCF-style: chr5-251164-G-A.
Other names: c.1465G>A, p.Gly489Arg (NM_001294332.2); c.1552-3344G>A (NM_001330758.2); short protein forms G489R, G537R.
Identifiers: ClinVar variation 1042013 (VCV001042013.16), dbSNP rs1736789994, ClinGen allele CA358998562.
Genomic context (GRCh38, chr5:251,049, plus strand): 5'-CAGTCAATGCAAAATCATGCTGCCGTGTTCCGTGTGGGAAGCGTGTTGCAAGAAGGTTGT[G>A]GGAAAATCAGCAAGCTCTATGGAGACCTAAAGCACCTGAAGACGTTCGACCGGGGTGAGC-3'
Protein context (NP_004159.2, residues 527-547): RVGSVLQEGC[Gly537Arg]KISKLYGDLK

ClinVar aggregate classification (germline): Uncertain significance. Review status: criteria provided, multiple submitters, no conflicts (2 of 4 stars). 3 submissions from 3 submitters: Uncertain significance (3). Last evaluated 2025-08-03.

Conditions:
Mitochondrial complex II deficiency, nuclear type 1. Also called: SUCCINATE CoQ REDUCTASE DEFICIENCY. Identifiers: Orphanet 3208, MedGen C5700310, MONDO:0100294, OMIM 252011.
Pheochromocytoma/paraganglioma syndrome 5. Also called: Paragangliomas 5; SDHA-Related Hereditary Paraganglioma-Pheochromocytoma Syndrome. Identifiers: Orphanet 29072, MedGen C3279992, MONDO:0013602, OMIM 614165.
Hereditary cancer-predisposing syndrome. Also called: Tumor predisposition; Hereditary neoplastic syndrome; Neoplastic Syndromes, Hereditary; Hereditary Cancer Syndrome. Identifiers: Orphanet 140162, MedGen C0027672, MeSH D009386, MONDO:0015356.
Dilated cardiomyopathy 1GG (CMD1GG). Identifiers: Orphanet 154, MedGen C3150898, MONDO:0013339, OMIM 613642.

gnomAD v4.1: 1 of 1,612,020 alleles (0.000062%); no homozygotes.

Submissions (3):

Labcorp Genetics (formerly Invitae), Labcorp
Classification: Uncertain significance for Pheochromocytoma/paraganglioma syndrome 5; Mitochondrial complex II deficiency, nuclear type 1. Last evaluated: 2025-08-03. Review status: criteria provided, single submitter. Criteria: Invitae Variant Classification Sherloc (09022015). Collection method: clinical testing. Allele origin: germline.
Comment: This sequence change replaces glycine, which is neutral and non-polar, with arginine, which is basic and polar, at codon 537 of the SDHA protein (p.Gly537Arg). This variant is not present in population databases (gnomAD no frequency). This variant has not been reported in the literature in individuals affected with SDHA-related conditions. ClinVar contains an entry for this variant (Variation ID: 1042013). Invitae Evidence Modeling of protein sequence and biophysical properties (such as structural, functional, and spatial information, amino acid conservation, physicochemical variation, residue mobility, and thermodynamic stability) indicates that this missense variant is not expected to disrupt SDHA protein function with a negative predictive value of 95%. In summary, the available evidence is currently insufficient to determine the role of this variant in disease. Therefore, it has been classified as a Variant of Uncertain Significance.

Ambry Genetics
Classification: Uncertain significance for Hereditary cancer-predisposing syndrome. Last evaluated: 2024-11-22. Review status: criteria provided, single submitter. Criteria: Ambry Variant Classification Scheme 2023. Collection method: clinical testing. Allele origin: germline.
Comment: The p.G537R variant (also known as c.1609G>A), located in coding exon 12 of the SDHA gene, results from a G to A substitution at nucleotide position 1609. The glycine at codon 537 is replaced by arginine, an amino acid with dissimilar properties. This amino acid position is conserved. In addition, this alteration is predicted to be tolerated by in silico analysis. Since supporting evidence is limited at this time, the clinical significance of this alteration remains unclear.

Baylor Genetics
Classification: Uncertain significance for Dilated cardiomyopathy 1GG. Last evaluated: 2023-06-05. Review status: criteria provided, single submitter. Criteria: ACMG Guidelines, 2015. Collection method: clinical testing. Allele origin: unknown.